The following is an entry in ClinVar:

NM_144687.4(NLRP12):c.1598_1618del (p.Gly533_Gln539del)

Gene: NLRP12 (NLR family pyrin domain containing 12; minus strand). Cytogenetic location: 19q13.42.
Variant type: Deletion.
Coding change: c.1598_1618del on transcript NM_144687.4 (MANE Select); coding-DNA positions 1598 to 1618, 21 bases deleted (GCGGGGCAGGCCCAGACCAGG).
Protein change: p.Gly533_Gln539del.
Genome position (GRCh38, 1-based): chr19:53,810,041-53,810,061, CCTGGTCTGGGCCTGCCCCGC deleted on the plus strand (GCGGGGCAGGCCCAGACCAGG on the coding strand, the reverse complement: NLRP12 is on the minus strand); deleting any 21 consecutive bases within chr19:53,810,041-53,810,064 gives the same sequence; the c. name uses the placement nearest the transcript's 3' end. VCF-style (leftmost placement, unchanged base first): chr19-53810040-TCCTGGTCTGGGCCTGCCCCGC-T. GRCh37 (hg19) VCF-style: chr19-54313294-TCCTGGTCTGGGCCTGCCCCGC-T.
Other names: c.1598_1618del, p.Gly533_Gln539del (NM_001277126.2, NM_001277129.1).
Identifiers: ClinVar variation 3679494 (VCV003679494.2).

ClinVar aggregate classification (germline): Uncertain significance (1 of 4 stars; one submission).

Conditions:
Familial cold autoinflammatory syndrome 2 (FCAS2). Identifiers: Orphanet 247868, MedGen C2673198, MONDO:0012724, OMIM 611762.

Submission:

Labcorp Genetics (formerly Invitae), Labcorp
Classification: Uncertain significance for Familial cold autoinflammatory syndrome 2. Last evaluated: 2024-02-24. Review status: criteria provided, single submitter. Criteria: Invitae Variant Classification Sherloc (09022015). Collection method: clinical testing. Allele origin: germline.
Comment: This variant, c.1598_1618del, results in the deletion of 7 amino acid(s) of the NLRP12 protein (p.Gly533_Gln539del), but otherwise preserves the integrity of the reading frame. This variant is not present in population databases (gnomAD no frequency). This variant has not been reported in the literature in individuals affected with NLRP12-related conditions. Experimental studies and prediction algorithms are not available or were not evaluated, and the functional significance of this variant is currently unknown. In summary, the available evidence is currently insufficient to determine the role of this variant in disease. Therefore, it has been classified as a Variant of Uncertain Significance.